The following is an entry in ClinVar:

NM_001040142.2(SCN2A):c.3440A>T (p.Asp1147Val)

Gene: SCN2A (sodium voltage-gated channel alpha subunit 2; plus strand). Cytogenetic location: 2q24.3.
Variant type: single nucleotide variant.
Coding change: c.3440A>T on transcript NM_001040142.2 (MANE Select); coding-DNA position 3440, A replaced by T.
Protein change: p.Asp1147Val; replaces aspartic acid 1147 with valine.
Molecular consequence: missense variant.
Genome position (GRCh38, 1-based): chr2:165,365,183, A>T. VCF-style: chr2-165365183-A-T. GRCh37 (hg19) VCF-style: chr2-166221693-A-T.
Other names: c.3440A>T, p.Asp1147Val (NM_001040143.2, NM_001371246.1, NM_001371247.1 and 1 more transcripts); short protein forms D1147V.
Identifiers: ClinVar variation 3899705 (VCV003899705.1).

ClinVar aggregate classification (germline): Uncertain significance (1 of 4 stars; one submission).

Submission:

GeneDx
Classification: Uncertain significance. Last evaluated: 2024-11-14. Review status: criteria provided, single submitter. Criteria: GeneDx Variant Classification Process June 2021. Collection method: clinical testing. Allele origin: germline. Affected: yes.
Comment: Not observed at significant frequency in large population cohorts (gnomAD); In silico analysis supports that this missense variant has a deleterious effect on protein structure/function; Has not been previously published as pathogenic or benign to our knowledge; This substitution is predicted to be in the cytoplasmic loop between the second and third homologous domains